The following is an entry in ClinVar:

ClinVar aggregate classification (germline): Uncertain significance. Review status: criteria provided, multiple submitters, no conflicts (2 of 4 stars). 3 submissions from 3 submitters: Uncertain significance (3). Last evaluated 2026-02-05.

Conditions:
Mitochondrial complex II deficiency, nuclear type 1. Also called: SUCCINATE CoQ REDUCTASE DEFICIENCY. Identifiers: Orphanet 3208, MedGen C5700310, MONDO:0100294, OMIM 252011.
Pheochromocytoma/paraganglioma syndrome 5. Also called: Paragangliomas 5; SDHA-Related Hereditary Paraganglioma-Pheochromocytoma Syndrome. Identifiers: Orphanet 29072, MedGen C3279992, MONDO:0013602, OMIM 614165.
Hereditary cancer-predisposing syndrome. Also called: Tumor predisposition; Hereditary Cancer Syndrome; Hereditary neoplastic syndrome; Neoplastic Syndromes, Hereditary. Identifiers: Orphanet 140162, MedGen C0027672, MeSH D009386, MONDO:0015356.

Submissions (3):

Ambry Genetics
Classification: Uncertain significance for Hereditary cancer-predisposing syndrome. Last evaluated: 2026-02-05. Review status: criteria provided, single submitter. Criteria: Ambry Variant Classification Scheme 2023. Collection method: clinical testing. Allele origin: germline.
Comment: The p.A391P variant (also known as c.1171G>C), located in coding exon 9 of the SDHA gene, results from a G to C substitution at nucleotide position 1171. The alanine at codon 391 is replaced by proline, an amino acid with highly similar properties. This amino acid position is highly conserved in available vertebrate species. In addition, this alteration is predicted to be deleterious by in silico analysis. Based on the available evidence, the clinical significance of this variant remains unclear.

Labcorp Genetics (formerly Invitae), Labcorp
Classification: Uncertain significance for Pheochromocytoma/paraganglioma syndrome 5; Mitochondrial complex II deficiency, nuclear type 1. Last evaluated: 2025-04-24. Review status: criteria provided, single submitter. Criteria: Invitae Variant Classification Sherloc (09022015). Collection method: clinical testing. Allele origin: germline.
Comment: This sequence change replaces alanine, which is neutral and non-polar, with proline, which is neutral and non-polar, at codon 391 of the SDHA protein (p.Ala391Pro). This variant is not present in population databases (gnomAD no frequency). This variant has not been reported in the literature in individuals affected with SDHA-related conditions. ClinVar contains an entry for this variant (Variation ID: 1317432). Invitae Evidence Modeling of protein sequence and biophysical properties (such as structural, functional, and spatial information, amino acid conservation, physicochemical variation, residue mobility, and thermodynamic stability) has been performed for this missense variant. However, the output from this modeling did not meet the statistical confidence thresholds required to predict the impact of this variant on SDHA protein function. In summary, the available evidence is currently insufficient to determine the role of this variant in disease. Therefore, it has been classified as a Variant of Uncertain Significance.

GeneDx
Classification: Uncertain significance. Last evaluated: 2020-12-08. Review status: criteria provided, single submitter. Criteria: GeneDx Variant Classification Process June 2021. Collection method: clinical testing. Allele origin: germline. Affected: yes.
Comment: Not observed in large population cohorts (Lek et al., 2016); In silico analysis supports that this missense variant has a deleterious effect on protein structure/function; Has not been previously published as pathogenic or benign to our knowledge

NM_004168.4(SDHA):c.1171G>C (p.Ala391Pro)

Gene: SDHA (succinate dehydrogenase complex flavoprotein subunit A; plus strand). Cytogenetic location: 5p15.33.
Variant type: single nucleotide variant.
Coding change: c.1171G>C on transcript NM_004168.4 (MANE Select); coding-DNA position 1171, G replaced by C.
Protein change: p.Ala391Pro; replaces alanine 391 with proline.
Molecular consequence: missense variant.
Genome position (GRCh38, 1-based): chr5:235,250, G>C. VCF-style: chr5-235250-G-C. GRCh37 (hg19) VCF-style: chr5-235365-G-C.
Other names: c.1027G>C, p.Ala343Pro (NM_001294332.2); c.1171G>C, p.Ala391Pro (NM_001330758.2); short protein forms A343P, A391P.
Identifiers: ClinVar variation 1317432 (VCV001317432.8), dbSNP rs376597185, ClinGen allele CA359013599.